The following is an entry in ClinVar:

ClinVar aggregate classification (germline): Uncertain significance (1 of 4 stars; one submission).

Conditions:
SPAST-related disorder. Also called: SPAST-related condition.

Submission:

PreventionGenetics, part of Exact Sciences
Classification: Uncertain significance for SPAST-related condition. Last evaluated: 2026-09-05. Review status: criteria provided, single submitter. Criteria: ACMG Guidelines, 2015. Collection method: clinical testing. Allele origin: germline.
Comment: The SPAST c.1297C>T variant is predicted to result in the amino acid substitution p.Leu433Phe. To our knowledge, this variant has not been reported in the literature. This variant is absent in a large population database (gnomAD), indicating this variant is rare. At this time, the clinical significance of this variant is uncertain due to the absence of conclusive functional and genetic evidence.

NM_014946.4(SPAST):c.1297C>T (p.Leu433Phe)

Gene: SPAST (spastin; plus strand). Cytogenetic location: 2p22.3.
Variant type: single nucleotide variant.
Coding change: c.1297C>T on transcript NM_014946.4 (MANE Select); coding-DNA position 1297, C replaced by T.
Protein change: p.Leu433Phe; replaces leucine 433 with phenylalanine.
Molecular consequence: missense variant.
Genome position (GRCh38, 1-based): chr2:32,136,614, C>T. VCF-style: chr2-32136614-C-T. GRCh37 (hg19) VCF-style: chr2-32361683-C-T.
Other names: c.1294C>T, p.Leu432Phe (NM_001363823.2); c.1198C>T, p.Leu400Phe (NM_001363875.2); c.1201C>T, p.Leu401Phe (NM_001377959.1, NM_199436.2); short protein forms L400F, L433F, L401F, L432F.
Identifiers: ClinVar variation 4988322 (VCV004988322.1).